The following is an entry in ClinVar:

NM_003801.4(GPAA1):c.861G>A (p.Leu287=)

Gene: GPAA1 (glycosylphosphatidylinositol anchor attachment 1; plus strand). Cytogenetic location: 8q24.3.
Variant type: single nucleotide variant.
Coding change: c.861G>A on transcript NM_003801.4 (MANE Select); coding-DNA position 861, G replaced by A.
Protein change: p.Leu287=; no amino-acid change (leucine 287 retained).
Molecular consequence: synonymous variant.
Genome position (GRCh38, 1-based): chr8:144,084,460, G>A. VCF-style: chr8-144084460-G-A. GRCh37 (hg19) VCF-style: chr8-145139363-G-A.
Identifiers: ClinVar variation 1618359 (VCV001618359.10), dbSNP rs1554764056, ClinGen allele CA463540821.

ClinVar aggregate classification (germline): Likely benign. Review status: criteria provided, multiple submitters, no conflicts (2 of 4 stars). 2 submissions from 2 submitters: Likely benign (2). Last evaluated 2026-04-01.

Allele frequency attached by ClinVar (database versions not stated): gnomAD exomes below 0.00001.

Submissions (2):

CeGaT Center for Human Genetics Tuebingen
Classification: Likely benign. Last evaluated: 2026-04-01. Review status: criteria provided, single submitter. Criteria: CeGaT Center For Human Genetics Tuebingen Variant Classification Criteria Version 2. Collection method: clinical testing. Allele origin: germline. Affected: yes. Observed: 1 variant allele.
Comment: GPAA1: PM2:Supporting, BP4, BP7

Labcorp Genetics (formerly Invitae), Labcorp
Classification: Likely benign. Last evaluated: 2023-01-31. Review status: criteria provided, single submitter. Criteria: Invitae Variant Classification Sherloc (09022015). Collection method: clinical testing. Allele origin: germline.